The following is an entry in ClinVar:

ClinVar aggregate classification (germline): Likely benign. Review status: criteria provided, single submitter (1 of 4 stars). 2 submissions from 2 submitters: Likely benign (1). 1 of the submissions does not count toward it. Last evaluated 2025-12-16.

Conditions:
ARFGEF2-related disorder. Also called: ARFGEF2-related condition.

Allele frequency attached by ClinVar (database versions not stated): gnomAD 0.00002 and 0.00003; gnomAD exomes 0.00002 and 0.00005; TOPMed 0.00003; ExAC 0.00006; 1000 Genomes Project 0.00020; 1000 Genomes Project 30x 0.00031.
gnomAD v4.1: 28 of 1,614,210 alleles (0.0017%); highest among the groups gnomAD compares: Admixed American, 0.03%; no homozygotes.

Submissions (2):

Labcorp Genetics (formerly Invitae), Labcorp
Classification: Likely benign. Last evaluated: 2025-12-16. Review status: criteria provided, single submitter. Criteria: Invitae Variant Classification Sherloc (09022015). Collection method: clinical testing. Allele origin: germline.

PreventionGenetics, part of Exact Sciences
Classification: Likely benign for ARFGEF2-related condition. Last evaluated: 2022-09-16. Review status: no assertion criteria provided. Collection method: clinical testing. Allele origin: germline. Not counted in ClinVar's aggregate classification.
Comment: This variant is classified as likely benign based on ACMG/AMP sequence variant interpretation guidelines (Richards et al. 2015 PMID: 25741868, with internal and published modifications).

NM_006420.3(ARFGEF2):c.4625-4A>G

Gene: ARFGEF2 (ARF guanine nucleotide exchange factor 2; plus strand). Cytogenetic location: 20q13.13.
Variant type: single nucleotide variant.
Coding change: c.4625-4A>G on transcript NM_006420.3 (MANE Select); 4 bases into the intron before coding-DNA position 4625, A replaced by G.
Molecular consequence: intron variant.
Genome position (GRCh38, 1-based): chr20:49,023,047, A>G. VCF-style: chr20-49023047-A-G. GRCh37 (hg19) VCF-style: chr20-47639584-A-G.
Identifiers: ClinVar variation 784868 (VCV000784868.11), dbSNP rs543559398, ClinGen allele CA9899284.
Genomic context (GRCh38, chr20:49,023,047, plus strand): 5'-CAGTGGATATTTCTTCAGTATTGGCTGAATCATTATTAGGGTTAATCTTTATCATCTAAC[A>G]TAGATCAGAAACTGTTTGCCAGCCTCCTCATCAAGTGTGTGGTCCAGTTGGAATTGATAC-3'